The following is an entry in ClinVar:

NM_001408.3(CELSR2):c.3725G>A (p.Arg1242His)

Gene: CELSR2 (cadherin EGF LAG seven-pass G-type receptor 2; plus strand). Cytogenetic location: 1p13.3.
Variant type: single nucleotide variant.
Coding change: c.3725G>A on transcript NM_001408.3 (MANE Select); coding-DNA position 3725, G replaced by A.
Protein change: p.Arg1242His; replaces arginine 1242 with histidine.
Molecular consequence: missense variant.
Genome position (GRCh38, 1-based): chr1:109,258,846, G>A. VCF-style: chr1-109258846-G-A. GRCh37 (hg19) VCF-style: chr1-109801468-G-A.
Other names: short protein forms R1242H.
Identifiers: ClinVar variation 1396622 (VCV001396622.6), dbSNP rs147011024, ClinGen allele CA986999.

ClinVar aggregate classification (germline): Uncertain significance (1 of 4 stars; one submission).

Allele frequency attached by ClinVar (database versions not stated): gnomAD exomes below 0.00001 and 0.00002; gnomAD 0.00001; TOPMed 0.00002; ExAC 0.00004; ESP Exome Variant Server 0.00015.
gnomAD v4.1: 7 of 1,612,142 alleles (0.00043%); highest among the groups gnomAD compares: South Asian, 0.0022%; no homozygotes.

Submission:

Labcorp Genetics (formerly Invitae), Labcorp
Classification: Uncertain significance. Last evaluated: 2024-10-15. Review status: criteria provided, single submitter. Criteria: Invitae Variant Classification Sherloc (09022015). Collection method: clinical testing. Allele origin: germline.
Comment: This sequence change replaces arginine, which is basic and polar, with histidine, which is basic and polar, at codon 1242 of the CELSR2 protein (p.Arg1242His). This variant is present in population databases (rs147011024, gnomAD 0.009%). This variant has not been reported in the literature in individuals affected with CELSR2-related conditions. ClinVar contains an entry for this variant (Variation ID: 1396622). Invitae Evidence Modeling of protein sequence and biophysical properties (such as structural, functional, and spatial information, amino acid conservation, physicochemical variation, residue mobility, and thermodynamic stability) indicates that this missense variant is not expected to disrupt CELSR2 protein function with a negative predictive value of 80%. In summary, the available evidence is currently insufficient to determine the role of this variant in disease. Therefore, it has been classified as a Variant of Uncertain Significance.